The following is an entry in ClinVar:

ClinVar aggregate classification (germline): Pathogenic (1 of 4 stars; one submission).

Allele frequency attached by ClinVar (database versions not stated): TOPMed below 0.00001.

Submission:

Labcorp Genetics (formerly Invitae), Labcorp
Classification: Pathogenic. Last evaluated: 2025-10-17. Review status: criteria provided, single submitter. Criteria: Invitae Variant Classification Sherloc (09022015). Collection method: clinical testing. Allele origin: germline.
Comment: This sequence change creates a premature translational stop signal (p.Tyr232*) in the RP1 gene. It is expected to result in an absent or disrupted protein product. Loss-of-function variants in RP1 are known to be pathogenic (PMID: 11960024, 19933189). This variant is not present in population databases (gnomAD no frequency). This variant has not been reported in the literature in individuals affected with RP1-related conditions. ClinVar contains an entry for this variant (Variation ID: 1073337). For these reasons, this variant has been classified as Pathogenic.

Literature cited by the submitters: PubMed 11960024; PubMed 19933189.

NM_006269.2(RP1):c.696T>G (p.Tyr232Ter)

Gene: RP1 (RP1 axonemal microtubule associated; plus strand). Cytogenetic location: 8q12.1.
Variant type: single nucleotide variant.
Coding change: c.696T>G on transcript NM_006269.2 (MANE Select); coding-DNA position 696, T replaced by G.
Protein change: p.Tyr232Ter; replaces tyrosine 232 with a stop codon.
Molecular consequence: nonsense.
Genome position (GRCh38, 1-based): chr8:54,622,197, T>G. VCF-style: chr8-54622197-T-G. GRCh37 (hg19) VCF-style: chr8-55534757-T-G.
Other names: c.696T>G, p.Tyr232Ter (NM_001375654.1); short protein forms Y232*.
Identifiers: ClinVar variation 1073337 (VCV001073337.7), dbSNP rs1165961011, ClinGen allele CA370988039.